The following is an entry in ClinVar:

ClinVar aggregate classification (germline): Uncertain significance (1 of 4 stars; one submission).

Submission:

Labcorp Genetics (formerly Invitae), Labcorp
Classification: Uncertain significance. Last evaluated: 2022-10-24. Review status: criteria provided, single submitter. Criteria: Invitae Variant Classification Sherloc (09022015). Collection method: clinical testing. Allele origin: germline.
Comment: In summary, the available evidence is currently insufficient to determine the role of this variant in disease. Therefore, it has been classified as a Variant of Uncertain Significance. Advanced modeling of protein sequence and biophysical properties (such as structural, functional, and spatial information, amino acid conservation, physicochemical variation, residue mobility, and thermodynamic stability) performed at Invitae indicates that this missense variant is not expected to disrupt DOCK6 protein function. This variant has not been reported in the literature in individuals affected with DOCK6-related conditions. This variant is not present in population databases (gnomAD no frequency). This sequence change replaces glutamine, which is neutral and polar, with glutamic acid, which is acidic and polar, at codon 680 of the DOCK6 protein (p.Gln680Glu).

NM_020812.4(DOCK6):c.2038C>G (p.Gln680Glu)

Gene: DOCK6 (dedicator of cytokinesis 6; minus strand). Cytogenetic location: 19p13.2.
Variant type: single nucleotide variant.
Coding change: c.2038C>G on transcript NM_020812.4 (MANE Select); coding-DNA position 2038, C replaced by G.
Protein change: p.Gln680Glu; replaces glutamine 680 with glutamic acid.
Molecular consequence: missense variant.
Genome position (GRCh38, 1-based): chr19:11,237,491, G>C on the plus strand (C>G on the coding strand, the complement: DOCK6 is on the minus strand). VCF-style: chr19-11237491-G-C. GRCh37 (hg19) VCF-style: chr19-11348167-G-C.
Other names: c.2038C>G, p.Gln680Glu (NM_001367830.1); short protein forms Q680E.
Identifiers: ClinVar variation 2000552 (VCV002000552.4), dbSNP rs1016721531, ClinGen allele CA404100964.